The following is an entry in ClinVar:

ClinVar aggregate classification (germline): Conflicting classifications of pathogenicity. Review status: criteria provided, conflicting classifications (1 of 4 stars). 3 submissions from 3 submitters: Uncertain significance (2); Likely benign (1). Last evaluated 2026-01-27.

Conditions:
Cardiovascular phenotype. Identifiers: MedGen CN230736.

Allele frequency attached by ClinVar (database versions not stated): TOPMed below 0.00001; gnomAD 0.00003; ExAC 0.00006; gnomAD exomes 0.00009.
gnomAD v4.1: 127 of 1,604,518 alleles (0.0079%); highest among the groups gnomAD compares: East Asian, 0.28%; no homozygotes.

Submissions (3):

Labcorp Genetics (formerly Invitae), Labcorp
Classification: Uncertain significance. Last evaluated: 2026-01-27. Review status: criteria provided, single submitter. Criteria: Invitae Variant Classification Sherloc (09022015). Collection method: clinical testing. Allele origin: germline.
Comment: This sequence change replaces glycine, which is neutral and non-polar, with serine, which is neutral and polar, at codon 747 of the ALPK3 protein (p.Gly747Ser). This variant is present in population databases (rs755590047, gnomAD 0.06%). This variant has not been reported in the literature in individuals affected with ALPK3-related conditions. ClinVar contains an entry for this variant (Variation ID: 1788229). Invitae Evidence Modeling of protein sequence and biophysical properties (such as structural, functional, and spatial information, amino acid conservation, physicochemical variation, residue mobility, and thermodynamic stability) indicates that this missense variant is not expected to disrupt ALPK3 protein function with a negative predictive value of 80%. In summary, the available evidence is currently insufficient to determine the role of this variant in disease. Therefore, it has been classified as a Variant of Uncertain Significance.

Ambry Genetics
Classification: Likely benign for Cardiovascular phenotype. Last evaluated: 2025-04-18. Review status: criteria provided, single submitter. Criteria: Ambry Variant Classification Scheme 2023. Collection method: clinical testing. Allele origin: germline.

GeneDx
Classification: Uncertain significance. Last evaluated: 2024-07-14. Review status: criteria provided, single submitter. Criteria: GeneDx Variant Classification Process June 2021. Collection method: clinical testing. Allele origin: germline. Affected: yes.
Comment: In silico analysis indicates that this missense variant does not alter protein structure/function; Has not been previously published as pathogenic or benign to our knowledge

NM_020778.5(ALPK3):c.1633G>A (p.Gly545Ser)

Genes: ALPK3 (alpha kinase 3; plus strand), LOC111718493 (skeletal muscle cis-regulatory module overlapping ALPK3; plus strand). Cytogenetic location: 15q25.3.
Variant type: single nucleotide variant.
Coding change: c.1633G>A on transcript NM_020778.5 (MANE Select); coding-DNA position 1633, G replaced by A.
Protein change: p.Gly545Ser; replaces glycine 545 with serine.
Molecular consequence: missense variant.
Genome position (GRCh38, 1-based): chr15:84,840,912, G>A. VCF-style: chr15-84840912-G-A. GRCh37 (hg19) VCF-style: chr15-85384143-G-A.
Other names: short protein forms G545S.
Identifiers: ClinVar variation 1788229 (VCV001788229.11), dbSNP rs755590047, ClinGen allele CA7709239.